The following is an entry in ClinVar:

ClinVar aggregate classification (germline): Uncertain significance (1 of 4 stars; one submission).

Allele frequency attached by ClinVar (database versions not stated): gnomAD exomes 0.00003 and 0.00005; ExAC 0.00005.

Submission:

Labcorp Genetics (formerly Invitae), Labcorp
Classification: Uncertain significance. Last evaluated: 2025-11-23. Review status: criteria provided, single submitter. Criteria: Invitae Variant Classification Sherloc (09022015). Collection method: clinical testing. Allele origin: germline.
Comment: This sequence change replaces proline, which is neutral and non-polar, with leucine, which is neutral and non-polar, at codon 79 of the LYN protein (p.Pro79Leu). This variant is present in population databases (rs760301322, gnomAD 0.02%). This variant has not been reported in the literature in individuals affected with LYN-related conditions. ClinVar contains an entry for this variant (Variation ID: 1386299). An algorithm developed to predict the effect of missense changes on protein structure and function (PolyPhen-2) suggests that this variant is likely to be tolerated. In summary, the available evidence is currently insufficient to determine the role of this variant in disease. Therefore, it has been classified as a Variant of Uncertain Significance.

NM_002350.4(LYN):c.236C>T (p.Pro79Leu)

Gene: LYN (LYN proto-oncogene, Src family tyrosine kinase; plus strand). Cytogenetic location: 8q12.1.
Variant type: single nucleotide variant.
Coding change: c.236C>T on transcript NM_002350.4 (MANE Select); coding-DNA position 236, C replaced by T.
Protein change: p.Pro79Leu; replaces proline 79 with leucine.
Molecular consequence: missense variant.
Genome position (GRCh38, 1-based): chr8:55,947,675, C>T. VCF-style: chr8-55947675-C-T. GRCh37 (hg19) VCF-style: chr8-56860234-C-T.
Other names: c.173C>T, p.Pro58Leu (NM_001111097.3); short protein forms P58L, P79L.
Identifiers: ClinVar variation 1386299 (VCV001386299.8), dbSNP rs760301322, ClinGen allele CA4753956.